The following is an entry in ClinVar:

NM_001401501.2(MUC16):c.38839C>A (p.Arg12947=)

Gene: MUC16 (mucin 16, cell surface associated; minus strand). Cytogenetic location: 19p13.2.
Variant type: single nucleotide variant.
Coding change: c.38839C>A on transcript NM_001401501.2 (MANE Select); coding-DNA position 38839, C replaced by A.
Protein change: p.Arg12947=; no amino-acid change (arginine 12947 retained).
Molecular consequence: synonymous variant.
Genome position (GRCh38, 1-based): chr19:8,902,115, G>T on the plus strand (C>A on the coding strand, the complement: MUC16 is on the minus strand). VCF-style: chr19-8902115-G-T. GRCh37 (hg19) VCF-style: chr19-9012791-G-T.
Other names: c.39265C>A, p.Arg13089= (NM_001414686.1); c.38719C>A, p.Arg12907= (NM_001414687.1); c.38653C>A, p.Arg12885= (NM_024690.2).
Identifiers: ClinVar variation 3056773 (VCV003056773.2), dbSNP rs750193122, ClinGen allele CA9164462.

ClinVar aggregate classification (germline): Likely benign (0 of 4 stars; one submission).

Conditions:
MUC16-related disorder. Also called: MUC16-related condition.

Allele frequency attached by ClinVar (database versions not stated): ExAC 0.00997.

Submission:

PreventionGenetics, part of Exact Sciences
Classification: Likely benign for MUC16-related condition. Last evaluated: 2019-02-20. Review status: no assertion criteria provided. Collection method: clinical testing. Allele origin: germline.
Comment: This variant is classified as likely benign based on ACMG/AMP sequence variant interpretation guidelines (Richards et al. 2015 PMID: 25741868, with internal and published modifications).